The following is an entry in ClinVar:

ClinVar aggregate classification (germline): Likely pathogenic (1 of 4 stars; one submission).

Conditions:
Hereditary spherocytosis type 1. Also called: Spherocytosis type 1; ANK1-Related Spherocytosis. Identifiers: Orphanet 822, MedGen C2674218, MONDO:0008447, OMIM 182900.

Submission:

Division of Genetic & Genomic Pathology, Hong Kong Children's Hospital
Classification: Likely pathogenic for Hereditary spherocytosis type 1. Last evaluated: 2025-02-04. Review status: criteria provided, single submitter. Criteria: ACMG Guidelines, 2015. Collection method: clinical testing. Allele origin: germline. Affected: yes.
Comment: ANK1 c.2902G>T p.(Glu968Ter) is a nonsense variant located in exon 26 (out of 43 exons). This variant is predicted to cause loss of normal protein function either by protein truncation or nonsense-mediated mRNA decay. The variant is absent from control populations (gnomAD v2.1.1 and v4.1.0). It has not been reported in the Human Gene Mutation Database (HGMD, v2024.4) or ClinVar. Loss-of-function variants in ANK1 are known to be disease-causing (PMID: 8640229). For these reasons, this variant is classified as likely pathogenic.

Literature cited by the submitters: PubMed 8640229.

NM_000037.4(ANK1):c.2902G>T (p.Glu968Ter)

Gene: ANK1 (ankyrin 1; minus strand). Cytogenetic location: 8p11.21.
Variant type: single nucleotide variant.
Coding change: c.2902G>T on transcript NM_000037.4 (MANE Select); coding-DNA position 2902, G replaced by T.
Protein change: p.Glu968Ter; replaces glutamic acid 968 with a stop codon.
Molecular consequence: nonsense.
Genome position (GRCh38, 1-based): chr8:41,696,421, C>A on the plus strand (G>T on the coding strand, the complement: ANK1 is on the minus strand). VCF-style: chr8-41696421-C-A. GRCh37 (hg19) VCF-style: chr8-41553939-C-A.
Other names: c.2902G>T, p.Glu968Ter (NM_020475.3, NM_020476.3, NM_020477.3); c.3025G>T, p.Glu1009Ter (NM_001142446.2); short protein forms E1009*, E968*.
Identifiers: ClinVar variation 5020089 (VCV005020089.1).